The following is an entry in ClinVar:

NM_001035.3(RYR2):c.3116A>T (p.Asp1039Val)

Gene: RYR2 (ryanodine receptor 2; plus strand). Cytogenetic location: 1q43.
Variant type: single nucleotide variant.
Coding change: c.3116A>T on transcript NM_001035.3 (MANE Select); coding-DNA position 3116, A replaced by T.
Protein change: p.Asp1039Val; replaces aspartic acid 1039 with valine.
Molecular consequence: missense variant.
Genome position (GRCh38, 1-based): chr1:237,550,593, A>T. VCF-style: chr1-237550593-A-T. GRCh37 (hg19) VCF-style: chr1-237713893-A-T.
Other names: short protein forms D1039V.
Identifiers: ClinVar variation 4757974 (VCV004757974.1).
Genomic context (GRCh38, chr1:237,550,593, plus strand): 5'-TTTTCCTGCAGGACGTAAAGAACAGAAGAAATCCTCGCCTTGTTCCCTACACTCTTCTGG[A>T]TGACCGAACCAAGAAATCCAACAAGGACAGCCTCCGCGAGGCTGTGCGCACGCTGCTGGG-3'
Protein context (NP_001026.2, residues 1029-1049): NPRLVPYTLL[Asp1039Val]DRTKKSNKDS

ClinVar aggregate classification (germline): Uncertain significance (1 of 4 stars; one submission).

Conditions:
Cardiomyopathy (CMYO). Also called: Cardiomyopathies. Identifiers: Orphanet 167848, MedGen C0878544, MONDO:0004994, HP:0001638. Inheritance: Various modes of inheritance.

gnomAD v4.1: 5 of 1,606,064 alleles (0.00031%); highest among the groups gnomAD compares: African/African-American, 0.004%; no homozygotes.

Submission:

Color Diagnostics, LLC DBA Color Health
Classification: Uncertain significance for Cardiomyopathy. Last evaluated: 2025-08-25. Review status: criteria provided, single submitter. Criteria: ACMG Guidelines, 2015. Collection method: clinical testing. Allele origin: germline.
Comment: This missense variant replaces aspartic acid with valine at codon 1039 of the RYR2 protein. Computational prediction suggests that this variant may have deleterious impact on protein structure and function. To our knowledge, functional studies have not been reported for this variant. This variant has not been reported in individuals affected with RYR2-related disorders in the literature. This variant has been identified in 2/266346 chromosomes in the general population by the Genome Aggregation Database (gnomAD). The available evidence is insufficient to determine the role of this variant in disease conclusively. Therefore, this variant is classified as a Variant of Uncertain Significance.